The following is an entry in ClinVar:

ClinVar aggregate classification (germline): Uncertain significance (1 of 4 stars; one submission).

Conditions:
Primary ciliary dyskinesia. Also called: Ciliary dyskinesia. Identifiers: Orphanet 244, MedGen C0008780, MONDO:0016575, HP:0012265.

Allele frequency attached by ClinVar (database versions not stated): gnomAD exomes 0.00001; TOPMed 0.00002; gnomAD 0.00003; ExAC 0.00007; 1000 Genomes Project 30x 0.00016; 1000 Genomes Project 0.00020.
gnomAD v4.1: 18 of 1,598,892 alleles (0.0011%); highest among the groups gnomAD compares: Middle Eastern, 0.022%; no homozygotes.

Submission:

Labcorp Genetics (formerly Invitae), Labcorp
Classification: Uncertain significance for Primary ciliary dyskinesia. Last evaluated: 2024-11-13. Review status: criteria provided, single submitter. Criteria: Invitae Variant Classification Sherloc (09022015). Collection method: clinical testing. Allele origin: germline.
Comment: This sequence change replaces arginine, which is basic and polar, with cysteine, which is neutral and slightly polar, at codon 370 of the CCDC40 protein (p.Arg370Cys). This variant is present in population databases (rs573323543, gnomAD 0.005%). This variant has not been reported in the literature in individuals affected with CCDC40-related conditions. ClinVar contains an entry for this variant (Variation ID: 2037719). Invitae Evidence Modeling of protein sequence and biophysical properties (such as structural, functional, and spatial information, amino acid conservation, physicochemical variation, residue mobility, and thermodynamic stability) indicates that this missense variant is expected to disrupt CCDC40 protein function with a positive predictive value of 80%. In summary, the available evidence is currently insufficient to determine the role of this variant in disease. Therefore, it has been classified as a Variant of Uncertain Significance.

NM_017950.4(CCDC40):c.1108C>T (p.Arg370Cys)

Gene: CCDC40 (coiled-coil domain 40 molecular ruler complex subunit; plus strand). Cytogenetic location: 17q25.3.
Variant type: single nucleotide variant.
Coding change: c.1108C>T on transcript NM_017950.4 (MANE Select); coding-DNA position 1108, C replaced by T.
Protein change: p.Arg370Cys; replaces arginine 370 with cysteine.
Molecular consequence: missense variant.
Genome position (GRCh38, 1-based): chr17:80,050,232, C>T. VCF-style: chr17-80050232-C-T. GRCh37 (hg19) VCF-style: chr17-78024031-C-T.
Other names: c.1108C>T, p.Arg370Cys (NM_001243342.2, NM_001330508.2); short protein forms R370C.
Identifiers: ClinVar variation 2037719 (VCV002037719.4), dbSNP rs573323543, ClinGen allele CA8813684.